The following is an entry in ClinVar:

ClinVar aggregate classification (germline): Uncertain significance (1 of 4 stars; one submission).

Conditions:
Familial cancer of breast. Also called: BREAST CANCER, FAMILIAL; Hereditary breast cancer; hereditary breast carcinoma. Identifiers: Orphanet 227535, MedGen C0346153, MONDO:0016419, OMIM 114480. Disease mechanism: loss of function.

Submission:

Labcorp Genetics (formerly Invitae), Labcorp
Classification: Uncertain significance for Familial cancer of breast. Last evaluated: 2023-04-22. Review status: criteria provided, single submitter. Criteria: Invitae Variant Classification Sherloc (09022015). Collection method: clinical testing. Allele origin: germline.
Comment: In summary, the available evidence is currently insufficient to determine the role of this variant in disease. Therefore, it has been classified as a Variant of Uncertain Significance. Experimental studies and prediction algorithms are not available or were not evaluated, and the functional significance of this variant is currently unknown. This variant has not been reported in the literature in individuals affected with CHEK2-related conditions. This variant results in a copy number gain of the genomic region encompassing exon(s) 9-15 of the CHEK2 gene. This region includes the termination codon of the gene. This copy number gain extends beyond the assayed region for this gene and therefore may encompass additional genes. As the precise location of this event is unknown, it may be in tandem or it may be located elsewhere in the genome.

NC_000022.10:g.(?_29083885)_(29095935_?)dup

Gene: CHEK2 (checkpoint kinase 2; minus strand). Cytogenetic location: 22q12.1.
Variant type: Duplication.
Identifiers: ClinVar variation 1447876 (VCV001447876.6).